The following is an entry in ClinVar:

NM_006922.4(SCN3A):c.3495G>A (p.Pro1165=)

Gene: SCN3A (sodium voltage-gated channel alpha subunit 3; minus strand). Cytogenetic location: 2q24.3.
Variant type: single nucleotide variant.
Coding change: c.3495G>A on transcript NM_006922.4 (MANE Select); coding-DNA position 3495, G replaced by A.
Protein change: p.Pro1165=; no amino-acid change (proline 1165 retained).
Molecular consequence: synonymous variant.
Genome position (GRCh38, 1-based): chr2:165,115,474, C>T on the plus strand (G>A on the coding strand, the complement: SCN3A is on the minus strand). VCF-style: chr2-165115474-C-T. GRCh37 (hg19) VCF-style: chr2-165971984-C-T.
Other names: c.3348G>A, p.Pro1116= (NM_001081676.2, NM_001081677.2).
Identifiers: ClinVar variation 412598 (VCV000412598.41), dbSNP rs747790337, ClinGen allele CA1938781.

ClinVar aggregate classification (germline): Likely benign. Review status: criteria provided, multiple submitters, no conflicts (2 of 4 stars). 3 submissions from 3 submitters: Likely benign (3). Last evaluated 2025-03-11.

Allele frequency attached by ClinVar (database versions not stated): ExAC 0.00005; gnomAD 0.00006 and 0.00007; TOPMed 0.00006.
gnomAD v4.1: 51 of 1,613,156 alleles (0.0032%); highest among the groups gnomAD compares: Admixed American, 0.033%; no homozygotes.

Submissions (3):

Labcorp Genetics (formerly Invitae), Labcorp
Classification: Likely benign. Last evaluated: 2025-03-11. Review status: criteria provided, single submitter. Criteria: Invitae Variant Classification Sherloc (09022015). Collection method: clinical testing. Allele origin: germline.

Blueprint Genetics
Classification: Likely benign. Last evaluated: 2024-09-06. Review status: criteria provided, single submitter. Criteria: ACMG Guidelines, 2015. Collection method: clinical testing. Allele origin: germline.

CeGaT Center for Human Genetics Tuebingen
Classification: Likely benign. Last evaluated: 2022-06-01. Review status: criteria provided, single submitter. Criteria: CeGaT Center For Human Genetics Tuebingen Variant Classification Criteria Version 2. Collection method: clinical testing. Allele origin: germline. Affected: yes. Observed: 1 variant allele.
Comment: SCN3A: BP4, BP7